The following is an entry in ClinVar:

ClinVar aggregate classification (germline): Uncertain significance. Review status: criteria provided, single submitter (1 of 4 stars). 2 submissions from 2 submitters: Uncertain significance (1). 1 of the submissions does not count toward it. Last evaluated 2026-02-28.

Conditions:
Intellectual developmental disorder, X-linked, syndromic, Stocco dos Santos type. Also called: STOCCO DOS SANTOS X-LINKED MENTAL RETARDATION SYNDROME; Stocco dos Santos syndrome; X-linked intellectual disability, Stocco dos Santos type. Identifiers: Orphanet 85288, MedGen C1845530, MONDO:0010325, OMIM 300434.

Allele frequency attached by ClinVar (database versions not stated): gnomAD 0.00001; gnomAD exomes 0.00001 and 0.00004; TOPMed 0.00003; ExAC below 0.00001.
gnomAD v4.1: 45 of 1,210,034 alleles (0.0037%); highest among the groups gnomAD compares: Non-Finnish European, 0.0046%; no homozygotes.

Submissions (2):

Ambry Genetics
Classification: Uncertain significance. Last evaluated: 2026-02-28. Review status: criteria provided, single submitter. Criteria: Ambry Variant Classification Scheme 2023. Collection method: clinical testing. Allele origin: germline.
Comment: The c.1996G>A (p.E666K) alteration is located in exon 4 (coding exon 4) of the SHROOM4 gene. This alteration results from a G to A substitution at nucleotide position 1996, causing the glutamic acid (E) at amino acid position 666 to be replaced by a lysine (K). Based on data from gnomAD, the A allele has an overall frequency of 0.001% (2/204695) total alleles studied. The highest observed frequency was 0.005% (1/18947) of African alleles. Based on insufficient or conflicting evidence, the clinical significance of this alteration remains unclear.

Bioscientia Institut fuer Medizinische Diagnostik GmbH, Sonic Healthcare
Classification: Uncertain significance for Intellectual developmental disorder, X-linked, syndromic, Stocco dos Santos type. Last evaluated: 2018-12-12. Review status: no assertion criteria provided. Collection method: clinical testing. Allele origin: germline. Affected: yes. Not counted in ClinVar's aggregate classification.

NM_020717.5(SHROOM4):c.1996G>A (p.Glu666Lys)

Gene: SHROOM4 (shroom family member 4; minus strand). Cytogenetic location: Xp11.22.
Variant type: single nucleotide variant.
Coding change: c.1996G>A on transcript NM_020717.5 (MANE Select); coding-DNA position 1996, G replaced by A.
Protein change: p.Glu666Lys; replaces glutamic acid 666 with lysine.
Molecular consequence: missense variant. On other transcripts: non-coding transcript variant (4).
Genome position (GRCh38, 1-based): chrX:50,634,077, C>T on the plus strand (G>A on the coding strand, the complement: SHROOM4 is on the minus strand). VCF-style: chrX-50634077-C-T. GRCh37 (hg19) VCF-style: chrX-50377077-C-T.
Other names: short protein forms E666K.
Identifiers: ClinVar variation 635462 (VCV000635462.3), dbSNP rs782246021, ClinGen allele CA10416178.